The following is an entry in ClinVar:

ClinVar aggregate classification (germline): Uncertain significance. Review status: criteria provided, multiple submitters, no conflicts (2 of 4 stars). 2 submissions from 2 submitters: Uncertain significance (2). Last evaluated 2023-02-16.

Conditions:
Inborn genetic diseases. Identifiers: MedGen C0950123, MeSH D030342.

Allele frequency attached by ClinVar (database versions not stated): gnomAD exomes below 0.00001.
gnomAD v4.1: 6 of 1,614,074 alleles (0.00037%); highest among the groups gnomAD compares: Non-Finnish European, 0.00042%; no homozygotes.

Submissions (2):

Ambry Genetics
Classification: Uncertain significance for Inborn genetic diseases. Last evaluated: 2023-02-16. Review status: criteria provided, single submitter. Criteria: Ambry Variant Classification Scheme 2023. Collection method: clinical testing. Allele origin: germline.

Labcorp Genetics (formerly Invitae), Labcorp
Classification: Uncertain significance. Last evaluated: 2022-08-23. Review status: criteria provided, single submitter. Criteria: Invitae Variant Classification Sherloc (09022015). Collection method: clinical testing. Allele origin: germline.
Comment: This variant has not been reported in the literature in individuals affected with FAT4-related conditions. In summary, the available evidence is currently insufficient to determine the role of this variant in disease. Therefore, it has been classified as a Variant of Uncertain Significance. Advanced modeling of protein sequence and biophysical properties (such as structural, functional, and spatial information, amino acid conservation, physicochemical variation, residue mobility, and thermodynamic stability) performed at Invitae indicates that this missense variant is not expected to disrupt FAT4 protein function. ClinVar contains an entry for this variant (Variation ID: 1477159). This variant is present in population databases (no rsID available, gnomAD 0.0009%). This sequence change replaces alanine, which is neutral and non-polar, with threonine, which is neutral and polar, at codon 4534 of the FAT4 protein (p.Ala4534Thr).

NM_001291303.3(FAT4):c.13606G>A (p.Ala4536Thr)

Gene: FAT4 (FAT atypical cadherin 4; plus strand). Cytogenetic location: 4q28.1.
Variant type: single nucleotide variant.
Coding change: c.13606G>A on transcript NM_001291303.3 (MANE Select); coding-DNA position 13606, G replaced by A.
Protein change: p.Ala4536Thr; replaces alanine 4536 with threonine.
Molecular consequence: missense variant.
Genome position (GRCh38, 1-based): chr4:125,490,422, G>A. VCF-style: chr4-125490422-G-A. GRCh37 (hg19) VCF-style: chr4-126411577-G-A.
Other names: c.13600G>A (NM_024582.4); c.13603G>A, p.Ala4535Thr (NM_001291285.3); c.13600G>A, p.Ala4534Thr (NM_024582.6); short protein forms A4534T, A4535T, A4536T.
Identifiers: ClinVar variation 1477159 (VCV001477159.10), dbSNP rs1212647138, ClinGen allele CA358137166.
Genomic context (GRCh38, chr4:125,490,422, plus strand): 5'-ACCGTCTTGGCCCTCCTGGTCCTTAGCCTGATCCTGTGTAACCAGTGCAGGGGGAAGAAG[G>A]CCAAAAATCCCAAAGAGGAGAAGAAACCGAAGGAGAAGAAGAAAAAGGGAAGTGAGAACG-3'
Protein context (NP_001278232.1, residues 4526-4546): ILCNQCRGKK[Ala4536Thr]KNPKEEKKPK